The following is an entry in ClinVar:

ClinVar aggregate classification (germline): Uncertain significance (1 of 4 stars; one submission).

Conditions:
Coffin-Siris syndrome 1 (CSS1). Also called: Mental retardation, autosomal dominant 12; ARID1B-Related Coffin-Siris Syndrome. Identifiers: Orphanet 1465, MedGen C3281201, MONDO:0007617, OMIM 135900. Disease mechanism: gain of function.

Submission:

Laboratorio de Genetica e Diagnostico Molecular, Hospital Israelita Albert Einstein
Classification: Uncertain significance for Coffin-Siris syndrome 1. Last evaluated: 2024-08-23. Review status: criteria provided, single submitter. Criteria: ACMG Guidelines, 2015. Collection method: clinical testing. Allele origin: germline. Affected: yes.
Comment: ACMG classification criteria: PVS1 strong, PM2 supporting

NM_001374828.1(ARID1B):c.6159_6175del (p.Cys2055fs)

Gene: ARID1B (AT-rich interaction domain 1B; plus strand). Cytogenetic location: 6q25.3.
Variant type: Deletion.
Coding change: c.6159_6175del on transcript NM_001374828.1 (MANE Select); coding-DNA positions 6159 to 6175, 17 bases deleted (TCTGTGTACCATCGCGC).
Protein change: p.Cys2055fs; shifts the reading frame from cysteine 2055.
Molecular consequence: frameshift variant.
Genome position (GRCh38, 1-based): chr6:157,206,931-157,206,947, TCTGTGTACCATCGCGC deleted; deleting any 17 consecutive bases within chr6:157,206,930-157,206,947 gives the same sequence; the c. name uses the placement nearest the transcript's 3' end. VCF-style (leftmost placement, unchanged base first): chr6-157206929-CCTCTGTGTACCATCGCG-C. GRCh37 (hg19) VCF-style: chr6-157528063-CCTCTGTGTACCATCGCG-C.
Other names: c.3660_3676del, p.Cys1222fs (NM_001363725.2); c.6039_6055del, p.Cys2015fs (NM_001371656.1, NM_001374820.1); c.6000_6016del, p.Cys2002fs (NM_017519.3); short protein forms C1222fs, C2002fs, C2015fs, C2055fs.
Identifiers: ClinVar variation 3900986 (VCV003900986.1).